The following is an entry in ClinVar:

ClinVar aggregate classification (germline): Pathogenic (1 of 4 stars; one submission).

Submission:

GeneDx
Classification: Pathogenic. Last evaluated: 2017-03-09. Review status: criteria provided, single submitter. Criteria: GeneDx Variant Classification (06012015). Collection method: clinical testing. Allele origin: germline. Affected: yes.
Comment: The c.1278_1287del10insCC variant in the SLC2A10 gene has not been reported previously as a pathogenic variant nor as a benign variant, to our knowledge. The c.1278_1287del10insCC variant causes a frameshift starting with codon Phenylalanine 427, changes this amino acid to an Arginine residue, and creates a premature Stop codon at position 70 of the new reading frame, denoted p.Phe427ArgfsX70. This variant is predicted to cause loss of normal protein function either through protein truncation or nonsense-mediated mRNA decay. The c.1278_1287del10insCC variant is not observed in large population cohorts (Lek et al., 2016; 1000 Genomes Consortium et al., 2015; Exome Variant Server). We interpret c.1278_1287del10insCC as a pathogenic variant.

NM_030777.4(SLC2A10):c.1278_1287delinsCC (p.Phe427fs)

Gene: SLC2A10 (solute carrier family 2 member 10; plus strand). Cytogenetic location: 20q13.12.
Variant type: Indel.
Coding change: c.1278_1287delinsCC on transcript NM_030777.4 (MANE Select); coding-DNA positions 1278 to 1287, GTTTGGGCCA replaced by CC.
Protein change: p.Phe427fs; shifts the reading frame from phenylalanine 427.
Molecular consequence: frameshift variant.
Genome position (GRCh38, 1-based): chr20:46,726,314-46,726,323, GTTTGGGCCA replaced by CC. VCF-style: chr20-46726314-GTTTGGGCCA-CC. GRCh37 (hg19) VCF-style: chr20-45354953-GTTTGGGCCA-CC.
Other names: short protein forms F427fs.
Identifiers: ClinVar variation 424159 (VCV000424159.2), dbSNP rs1064796832, ClinGen allele CA16620930.